The following is an entry in ClinVar:

NM_000238.4(KCNH2):c.1685A>G (p.His562Arg)

Gene: KCNH2 (potassium voltage-gated channel subfamily H member 2; minus strand). Cytogenetic location: 7q36.1.
Variant type: single nucleotide variant.
Coding change: c.1685A>G on transcript NM_000238.4 (MANE Select); coding-DNA position 1685, A replaced by G.
Protein change: p.His562Arg; replaces histidine 562 with arginine.
Molecular consequence: missense variant.
Genome position (GRCh38, 1-based): chr7:150,951,708, T>C on the plus strand (A>G on the coding strand, the complement: KCNH2 is on the minus strand). VCF-style: chr7-150951708-T-C. GRCh37 (hg19) VCF-style: chr7-150648796-T-C.
Other names: c.1685A>G (LRG_288t1); c.665A>G, p.His222Arg (NM_001204798.2, NM_172057.3); c.1397A>G, p.His466Arg (NM_001406753.1, NM_001406756.1); c.1508A>G, p.His503Arg (NM_001406755.1); c.1385A>G, p.His462Arg (NM_001406757.1); c.1685A>G, p.His562Arg (NM_172056.3); short protein forms H222R, H562R, H503R, H466R, H462R.
Identifiers: ClinVar variation 67232 (VCV000067232.15), dbSNP rs199472922, ClinGen allele CA005065.

ClinVar aggregate classification (germline): Pathogenic/Likely pathogenic. Review status: criteria provided, multiple submitters, no conflicts (2 of 4 stars). 6 submissions from 6 submitters: Pathogenic (4); Likely pathogenic (1). 1 of the submissions does not count toward it. Last evaluated 2026-04-06.

Conditions:
Cardiovascular phenotype. Identifiers: MedGen CN230736.
Cardiac arrhythmia. Also called: Arrhythmia; Cardiac rhythm disease. Identifiers: MedGen C0003811, MONDO:0007263, HP:0011675.
Familial long QT syndrome (RWS). Also called: Congenital long QT syndrome; Romano-Ward syndrome; VENTRICULAR FIBRILLATION WITH PROLONGED QT INTERVAL. Identifiers: Orphanet 768, MedGen C1141890, MONDO:0019171.
Long QT syndrome (LQTS). Identifiers: MedGen C0023976, MeSH D008133, MONDO:0002442. Disease mechanism: loss of function. Inheritance: Various modes of inheritance.
Long QT syndrome 2 (LQT2). Identifiers: Orphanet 101016, Orphanet 768, MedGen C3150943, MONDO:0013367, OMIM 613688.

Submissions (6):

Ambry Genetics
Classification: Pathogenic for Cardiovascular phenotype. Last evaluated: 2026-04-06. Review status: criteria provided, single submitter. Criteria: Ambry Variant Classification Scheme 2023. Collection method: clinical testing. Allele origin: germline.
Comment: The p.H562R pathogenic mutation (also known as c.1685A>G), located in coding exon 7 of the KCNH2 gene, results from an A to G substitution at nucleotide position 1685. The histidine at codon 562 is replaced by arginine, an amino acid with highly similar properties. This variant was reported in individual(s) with long QT syndrome (Kapplinger JD et al. Heart Rhythm. 2009;6:1297-303; Aziz PF et al. Circ Arrhythm Electrophysiol. 2011;4:867-73; Itoh H et al. Eur J Hum Genet. 2016;24:1160-6; Izumi G et al. Pediatr Cardiol. 2016;37:962-70; Yee LA et al. J Am Heart Assoc, 2022 Sep;11:e025108). This variant was reported to segregate with disease in two families (Allegue C et al. Int. J. Legal Med., 2011;125:565-72; Mu&ntilde;oz-Esparza C et al. Rev Esp Cardiol (Engl Ed). 2015;68:861-8). In multiple assays testing KCNH2 function, this variant showed functionally abnormal results (Anderson CL et al. Nat Commun. 2014;5:5535; Gessner G et al. Biochem Biophys Res Commun, 2019 May;512:845-851). This amino acid position is highly conserved in available vertebrate species. In addition, this alteration is predicted to be deleterious by in silico analysis. Based on the supporting evidence, this variant is interpreted as a disease-causing mutation.

Color Diagnostics, LLC DBA Color Health
Classification: Likely pathogenic for Cardiac arrhythmia. Last evaluated: 2024-11-04. Review status: criteria provided, single submitter. Criteria: ACMG Guidelines, 2015. Collection method: clinical testing. Allele origin: germline.
Comment: This missense variant replaces histidine with arginine at codon 562 of the KCNH2 protein. This variant is located within the conserved transmembrane domain in the pore region of the KCNH2 protein. Rare non-truncating variants in this region have been shown to be significantly overrepresented in individuals with long QT syndrome (PMID: 32893267). Computational prediction suggests that this variant may have deleterious impact on protein structure and function. Functional studies have shown that this variant results in the loss of KCNH2 potassium channel function due to protein trafficking deficiency (PMID: 25417810, 30929919). This variant has been reported in 8 unrelated individuals affected with long QT syndrtome (PMID: 19716085, 21499742, 21956039, 25819988, 27041096, 30929919, 25819988). It has been shown that this variant segregates with disease in multiple individuals from a large pedigree (PMID: 25819988). This variant has not been identified in the general population by the Genome Aggregation Database (gnomAD). Based on the available evidence, this variant is classified as Likely Pathogenic.

All of Us Research Program, National Institutes of Health
Classification: Pathogenic for Long QT syndrome. Last evaluated: 2024-09-23. Review status: criteria provided, single submitter. Criteria: ACMG Guidelines, 2015. Collection method: clinical testing. Allele origin: germline. Inheritance: Autosomal dominant inheritance. Observed: 1 variant allele, 1 heterozygote.
Comment: The c.1685A>G (p.His562Arg) variant in KCNH2 gene, that encodes for potassium voltage-gated channel subfamily H member 2, has been identified in multiple (>10) unrelated individuals with long QT syndrome (LQTS) (PMID:20541041, 21499742, 21956039, 25819988, 26669661, 32893267, 36102233). This variant was found to co-segregate with disease in multiple relatives in one multi-generation family (PMID: 25819988). Functional studies using Xenopus oocytes revealed that mutant protein was non-functional but did not exert dominant-negative effects on wild-type protein. Further, expression of this variant in HEK293 cells showed a trafficking deficiency (PMID: 30929919). This variant is located in the ion channel transmembrane region and this domain is characterized by high enrichment of case variants and >95% probability of pathogenicity (PMID: 32893267). In-silico computational prediction tools suggest that this variant may have deleterious effect on the protein function (REVEL score: 0.96). This variant has been classified as pathogenic/likely pathogenic in ClinVar (ID: 67232). Other variants affecting the same amino acid residue (p.His562Pro, p.His562Gln, p.His562Tyr) have been classified as likely pathogenic/pathogenic in ClinVar. This variant is absent in the general population database, gnomAD (v4.1.0). Therefore, the c.1685A>G (p.His562Arg) variant in the KCNH2 gene is classified as pathogenic.

This study involves interpretation of variants in research participants for the purpose of population health screening. Participant phenotype was not available at the time of variant classification. Additional details can be found in publication PMID: 35346344, PMCID: PMC8962531

Labcorp Genetics (formerly Invitae), Labcorp
Classification: Pathogenic for Long QT syndrome. Last evaluated: 2023-07-14. Review status: criteria provided, single submitter. Criteria: Invitae Variant Classification Sherloc (09022015). Collection method: clinical testing. Allele origin: germline.
Comment: For these reasons, this variant has been classified as Pathogenic. This variant disrupts the p.His562 amino acid residue in KCNH2. Other variant(s) that disrupt this residue have been observed in individuals with KCNH2-related conditions (PMID: 15242738), which suggests that this may be a clinically significant amino acid residue. This sequence change replaces histidine, which is basic and polar, with arginine, which is basic and polar, at codon 562 of the KCNH2 protein (p.His562Arg). This variant is not present in population databases (gnomAD no frequency). This missense change has been observed in individuals with long QT syndrome (LQTS) (PMID: 19716085, 25819988; Invitae). It has also been observed to segregate with disease in related individuals. ClinVar contains an entry for this variant (Variation ID: 67232). An algorithm developed to predict the effect of missense changes on protein structure and function (PolyPhen-2) suggests that this variant is likely to be disruptive. Experimental studies have shown that this missense change affects KCNH2 function (PMID: 25417810).

Institute of Human Genetics Munich, TUM University Hospital
Classification: Pathogenic for Long QT syndrome 2. Last evaluated: 2022-07-11. Review status: criteria provided, single submitter. Criteria: Classification criteria August 2017. Collection method: clinical testing. Allele origin: germline. Inheritance: Autosomal dominant inheritance. Affected: yes. Observed: 1 variant allele.

Cardiovascular Biomedical Research Unit, Royal Brompton & Harefield NHS Foundation Trust
No classification provided. Condition: Familial long QT syndrome. Review status: no classification provided. Collection method: literature only. Allele origin: germline. Not counted in ClinVar's aggregate classification.
Comment: This variant has been reported as associated with Long QT syndrome in the following publications (PMID:19716085). This is a literature report, and does not necessarily reflect the clinical interpretation of the Imperial College / Royal Brompton Cardiovascular Genetics laboratory.

Literature cited by the submitters: PubMed 19716085 (cited by 4 submitters); PubMed 21499742 (cited by 3 submitters); PubMed 21956039 (cited by 3 submitters); PubMed 25417810 (cited by 3 submitters); PubMed 25819988 (cited by 4 submitters); PubMed 26669661 (cited by Ambry Genetics and All of Us Research Program, National Institutes of Health); PubMed 27041096 (cited by Ambry Genetics and Color Diagnostics, LLC DBA Color Health); PubMed 30929919 (cited by 3 submitters); PubMed 32893267 (cited by 3 submitters); PubMed 36102233 (cited by Ambry Genetics and All of Us Research Program, National Institutes of Health); PubMed 20541041 (cited by All of Us Research Program, National Institutes of Health); PubMed 15242738 (cited by Labcorp Genetics (formerly Invitae), Labcorp); PubMed 22581653 (cited by Cardiovascular Biomedical Research Unit, Royal Brompton & Harefield NHS Foundation Trust).